The following is an entry in ClinVar:

ClinVar aggregate classification (germline): Pathogenic. Review status: criteria provided, single submitter (1 of 4 stars). 2 submissions from 2 submitters: Pathogenic (1). 1 of the submissions does not count toward it. Last evaluated 2025-03-13.

Conditions:
Retinitis pigmentosa 11 (RP11). Identifiers: Orphanet 791, MedGen C1838601, MONDO:0010828, OMIM 600138.

Submissions (2):

Labcorp Genetics (formerly Invitae), Labcorp
Classification: Pathogenic. Last evaluated: 2025-03-13. Review status: criteria provided, single submitter. Criteria: Invitae Variant Classification Sherloc (09022015). Collection method: clinical testing. Allele origin: germline.
Comment: This variant, c.332_343del, results in the deletion of 4 amino acid(s) of the PRPF31 protein (p.His111_Ile114del), but otherwise preserves the integrity of the reading frame. This variant is not present in population databases (gnomAD no frequency). This variant has been observed in individuals with retinitis pigmentosa (PMID: 12923864, 36729443). It has also been observed to segregate with disease in related individuals. ClinVar contains an entry for this variant (Variation ID: 4365). For these reasons, this variant has been classified as Pathogenic.

OMIM
Classification: Pathogenic for RETINITIS PIGMENTOSA 11. Last evaluated: 2003-09-01. Review status: no assertion criteria provided. Collection method: literature only. Allele origin: germline. Not counted in ClinVar's aggregate classification.

Literature cited by the submitters: PubMed 12923864 (cited by Labcorp Genetics (formerly Invitae), Labcorp and OMIM); PubMed 36729443 (cited by Labcorp Genetics (formerly Invitae), Labcorp).

NM_015629.4(PRPF31):c.332_343del (p.His111_Ile114del)

Genes: PRPF31 (pre-mRNA processing factor 31; plus strand), PRPF31-AS1 (PRPF31 antisense RNA 1; minus strand). Cytogenetic location: 19q13.42.
Variant type: Deletion.
Coding change: c.332_343del on transcript NM_015629.4 (MANE Select); coding-DNA positions 332 to 343, 12 bases deleted (ATAAGTTCATCC).
Protein change: p.His111_Ile114del.
Molecular consequence: inframe deletion.
Genome position (GRCh38, 1-based): chr19:54,122,506-54,122,517, ATAAGTTCATCC deleted; deleting any 12 consecutive bases within chr19:54,122,500-54,122,517 gives the same sequence; the c. name uses the placement nearest the transcript's 3' end. VCF-style (leftmost placement, unchanged base first): chr19-54122499-ATCATCCATAAGT-A. GRCh37 (hg19) VCF-style: chr19-54625878-ATCATCCATAAGT-A.
Identifiers: ClinVar variation 4365 (VCV000004365.2), dbSNP rs1600337143, ClinGen allele CA913184783.
Genomic context (GRCh38, chr19:54,122,499, plus strand): 5'-CAACCAGCAGAGTCTACCTTCCATCTCACCCGACAACCTCCTGTCCCGTTTACCCTAGAC[ATCATCCATAAGT>A]TCATCCGGGATAAGTACTCAAAGAGATTCCCTGAACTGGAGTCCTTGGTCCCCAATGCAC-3'